The following is an entry in ClinVar:

ClinVar aggregate classification (germline): Benign (1 of 4 stars; one submission).

Conditions:
Sorsby fundus dystrophy (SFD). Also called: MACULAR DYSTROPHY, HEMORRHAGIC; Sorsby fundus dystrophy, Lavia type; FUNDUS DYSTROPHY, PSEUDOINFLAMMATORY, OF SORSBY. Identifiers: Orphanet 59181, MedGen C1850938, MONDO:0007640, OMIM 136900.

Allele frequency attached by ClinVar (database versions not stated): gnomAD 0.00091 and 0.00096; 1000 Genomes Project 0.00100; TOPMed 0.00125; 1000 Genomes Project 30x 0.00141.

Submission:

Illumina Laboratory Services, Illumina
Classification: Benign for Sorsby fundus dystrophy. Last evaluated: 2018-01-13. Review status: criteria provided, single submitter. Criteria: ICSL Variant Classification Criteria 13 December 2019. Collection method: clinical testing. Allele origin: germline.
Comment: This variant was observed in the ICSL laboratory as part of a predisposition screen in an ostensibly healthy population. It had not been previously curated by ICSL or reported in the Human Gene Mutation Database (HGMD: prior to June 1st, 2018), and was therefore a candidate for classification through an automated scoring system. Utilizing variant allele frequency, disease prevalence and penetrance estimates, and inheritance mode, an automated score was calculated to assess if this variant is too frequent to cause the disease. Based on the score and internal cut-off values, a variant classified as benign is not then subjected to further curation. The score for this variant resulted in a classification of benign for this disease.

NM_000362.5(TIMP3):c.*3157T>C

Genes: SYN3 (synapsin III; minus strand), TIMP3 (TIMP metallopeptidase inhibitor 3; plus strand). Cytogenetic location: 22q12.3.
Variant type: single nucleotide variant.
Coding change: c.*3157T>C on transcript NM_000362.5 (MANE Select); 3157 bases downstream of the stop codon, T replaced by C.
Molecular consequence: 3 prime UTR variant. On other transcripts: intron variant (7).
Genome position (GRCh38, 1-based): chr22:32,862,534, T>C. VCF-style: chr22-32862534-T-C. GRCh37 (hg19) VCF-style: chr22-33258521-T-C.
Other names: c.708+2381A>G (NM_001369909.1, NM_001135774.2, NM_001369910.1); c.711+2381A>G (NM_001369907.1, NM_003490.4, NM_001369908.1 and 1 more transcripts).
Identifiers: ClinVar variation 341404 (VCV000341404.5), dbSNP rs184758229, ClinGen allele CA10654096.
Genomic context (GRCh38, chr22:32,862,534, plus strand): 5'-CTGTGGCCCCCAGGAGACACTACCCTTCCATGCCCCAGACCTCTGTCTTGCATGTGACAA[T>C]TGACAATCTGGACTACCCCAAGATGGCACCCAAGTGTTTGGCTTCTGGCTACCTAAGGTT-3'